The following is an entry in ClinVar:

NM_031407.7(HUWE1):c.2963A>G (p.Lys988Arg)

Gene: HUWE1 (HECT, UBA and WWE domain containing E3 ubiquitin protein ligase 1; minus strand). Cytogenetic location: Xp11.22.
Variant type: single nucleotide variant.
Coding change: c.2963A>G on transcript NM_031407.7 (MANE Select); coding-DNA position 2963, A replaced by G.
Protein change: p.Lys988Arg; replaces lysine 988 with arginine.
Molecular consequence: missense variant.
Genome position (GRCh38, 1-based): chrX:53,602,572, T>C on the plus strand (A>G on the coding strand, the complement: HUWE1 is on the minus strand). VCF-style: chrX-53602572-T-C. GRCh37 (hg19) VCF-style: chrX-53629533-T-C.
Other names: short protein forms K988R.
Identifiers: ClinVar variation 2708060 (VCV002708060.3), dbSNP rs2526757558, ClinGen allele CA413180189.
Genomic context (GRCh38, chrX:53,602,572, plus strand): 5'-GTAGGAACAAAACTTAGAAGTAATGACTAACATTTTAGTTTCTTAGAGTTACCTGATCTT[T>C]TTCCGCCCTGGGTCGTACCTGCCTTCTCATCCTTTGGAACCAGTTTCTGCATATCTGCCT-3'
Protein context (NP_113584.3, residues 978-998): DEKAGTTQGG[Lys988Arg]RSDGEQDGAA

ClinVar aggregate classification (germline): Uncertain significance (1 of 4 stars; one submission).

Submission:

Labcorp Genetics (formerly Invitae), Labcorp
Classification: Uncertain significance. Last evaluated: 2024-03-11. Review status: criteria provided, single submitter. Criteria: Invitae Variant Classification Sherloc (09022015). Collection method: clinical testing. Allele origin: germline.
Comment: This sequence change replaces lysine, which is basic and polar, with arginine, which is basic and polar, at codon 988 of the HUWE1 protein (p.Lys988Arg). This variant is not present in population databases (gnomAD no frequency). This variant has not been reported in the literature in individuals affected with HUWE1-related conditions. Advanced modeling of protein sequence and biophysical properties (such as structural, functional, and spatial information, amino acid conservation, physicochemical variation, residue mobility, and thermodynamic stability) performed at Invitae indicates that this missense variant is not expected to disrupt HUWE1 protein function with a negative predictive value of 95%. In summary, the available evidence is currently insufficient to determine the role of this variant in disease. Therefore, it has been classified as a Variant of Uncertain Significance.